The following is an entry in ClinVar:

ClinVar aggregate classification (germline): Pathogenic/Likely pathogenic. Review status: criteria provided, multiple submitters, no conflicts (2 of 4 stars). 9 submissions from 9 submitters: Pathogenic (8); Likely pathogenic (1). Last evaluated 2026-04-01.

Conditions:
NBAS-related disorder. Also called: NBAS-related condition.
Infantile liver failure syndrome 2 (ILFS2). Identifiers: MedGen C3809651, MONDO:0014659, OMIM 616483.
Acute infantile liver failure due to synthesis defect of mtDNA-encoded proteins. Also called: Liver failure acute infantile; LIVER FAILURE, INFANTILE, TRANSIENT; TRMU Deficiency. Identifiers: Orphanet 217371, MedGen C3278664, MONDO:0013111, OMIM 613070.
Short stature-optic atrophy-Pelger-Huët anomaly syndrome. Also called: Short stature-optic atrophy-Pelger-HuC+t anomaly syndrome; Short stature, optic nerve atrophy, and Pelger-Huet anomaly. Identifiers: Orphanet 391677, MedGen C3541319, MONDO:0013889, OMIM 614800.
Primary ciliary dyskinesia. Also called: Ciliary dyskinesia. Identifiers: Orphanet 244, MedGen C0008780, MONDO:0016575, HP:0012265.

Allele frequency attached by ClinVar (database versions not stated): gnomAD 0.00004; ExAC 0.00007; ESP Exome Variant Server 0.00008.
gnomAD v4.1: 134 of 1,614,012 alleles (0.0083%); highest among the groups gnomAD compares: Non-Finnish European, 0.011%; no homozygotes.

Submissions (9):

Department of Human Genetics, Hannover Medical School
Classification: Likely pathogenic for Primary Ciliary Dyskinesia. Last evaluated: 2026-04-01. Review status: criteria provided, single submitter. Criteria: ACMG Guidelines, 2015. Collection method: research. Allele origin: germline. Affected: no.
Comment: Classification performed by HerediClassify using the following criteria:['PM2_supporting: Variant occures does not occur as homozygous in gnomAD.', 'PVS1_protein_very_strong: Transcript ENST00000281513 is predicted to undergo NMD.']

Labcorp Genetics (formerly Invitae), Labcorp
Classification: Pathogenic. Last evaluated: 2026-01-26. Review status: criteria provided, single submitter. Criteria: Invitae Variant Classification Sherloc (09022015). Collection method: clinical testing. Allele origin: germline.
Comment: This sequence change creates a premature translational stop signal (p.Glu943*) in the NBAS gene. It is expected to result in an absent or disrupted protein product. Loss-of-function variants in NBAS are known to be pathogenic (PMID: 26073778, 26541327, 27789416, 28031453). This variant is present in population databases (rs143012720, gnomAD 0.01%). This premature translational stop signal has been observed in individuals with SOPH syndrome and acute liver failure (PMID: 26073778, 28031453, 31761904). ClinVar contains an entry for this variant (Variation ID: 1076261). For these reasons, this variant has been classified as Pathogenic.

Women's Health and Genetics/Laboratory Corporation of America, LabCorp
Classification: Pathogenic for Acute infantile liver failure due to synthesis defect of mtDNA-encoded proteins. Last evaluated: 2025-09-23. Review status: criteria provided, single submitter. Criteria: LabCorp Variant Classification Summary - May 2015. Collection method: clinical testing. Allele origin: germline.
Comment: Variant summary: NBAS c.2827G>T (p.Glu943X) results in a premature termination codon, predicted to cause a truncation of the encoded protein or absence of the protein due to nonsense mediated decay, which are commonly known mechanisms for disease. The variant allele was found at a frequency of 6.8e-05 in 251384 control chromosomes. This frequency is not significantly higher than estimated for disease-causing variants in NBAS, allowing no conclusion about variant significance. c.2827G>T has been observed in individual(s) affected with Liver Failure Acute (example: haack_2015). The following publication has been ascertained in the context of this evaluation (PMID: 26073778). ClinVar contains an entry for this variant (Variation ID: 1076261). Based on the evidence outlined above, the variant was classified as pathogenic.

PreventionGenetics, part of Exact Sciences
Classification: Pathogenic for NBAS-related condition. Last evaluated: 2025-03-06. Review status: criteria provided, single submitter. Criteria: ACMG Guidelines, 2015. Collection method: clinical testing. Allele origin: germline.
Comment: The NBAS c.2827G>T variant is predicted to result in premature protein termination (p.Glu943*). This variant has been reported in the compound heterozygous state in an individual with acute infant-onset liver failure (Haack et al. 2015. PubMed ID: 26073778) and in individuals with SOPH syndrome (Kortüm et al. 2017. PubMed ID: 28031453; Staufner et al. 2019. PubMed ID: 31761904). This variant is reported in 0.012% of alleles in individuals of African descent in gnomAD. Nonsense variants in NBAS are expected to be pathogenic. Given the evidence, we interpret c.2827G>T (p.Glu943*) as pathogenic.

Blueprint Genetics
Classification: Pathogenic for NBAS-related disorders. Last evaluated: 2024-10-08. Review status: criteria provided, single submitter. Criteria: ACMG Guidelines, 2015. Collection method: clinical testing. Allele origin: germline. Affected: yes. Observed: 5 variant alleles.

Fulgent Genetics
Classification: Pathogenic for Short stature-optic atrophy-Pelger-Huët anomaly syndrome; Infantile liver failure syndrome 2. Last evaluated: 2024-06-13. Review status: criteria provided, single submitter. Criteria: ACMG Guidelines, 2015. Collection method: clinical testing. Allele origin: germline.

HudsonAlpha Institute for Biotechnology
Classification: Pathogenic for Infantile liver failure syndrome 2. Last evaluated: 2024-01-29. Review status: criteria provided, single submitter. Criteria: ACMG Guidelines, 2015. Collection method: research. Allele origin: unknown. Affected: yes. Observed: 1 variant allele. Study: HudsonAlpha-AGHI-WGS.

Mayo Clinic Laboratories, Mayo Clinic
Classification: Pathogenic. Last evaluated: 2023-11-09. Review status: criteria provided, single submitter. Criteria: ACMG Guidelines, 2015. Collection method: clinical testing. Allele origin: germline. Observed: 1 variant allele.
Comment: PM3, PVS1

GeneDx
Classification: Pathogenic. Last evaluated: 2023-07-07. Review status: criteria provided, single submitter. Criteria: GeneDx Variant Classification Process June 2021. Collection method: clinical testing. Allele origin: germline. Affected: yes.
Comment: Nonsense variant predicted to result in protein truncation or nonsense mediated decay in a gene for which loss of function is a known mechanism of disease; This variant is associated with the following publications: (PMID: 31980526, 34426522, 30825388, 27789416, 28031453, 26073778, 31761904, 26541327)

Literature cited by the submitters: PubMed 26073778 (cited by 3 submitters); PubMed 26541327 (cited by Labcorp Genetics (formerly Invitae), Labcorp and Mayo Clinic Laboratories, Mayo Clinic); PubMed 27789416 (cited by Labcorp Genetics (formerly Invitae), Labcorp); PubMed 28031453 (cited by Labcorp Genetics (formerly Invitae), Labcorp and Mayo Clinic Laboratories, Mayo Clinic); PubMed 31761904 (cited by Labcorp Genetics (formerly Invitae), Labcorp and Mayo Clinic Laboratories, Mayo Clinic); PubMed 31964843 (cited by Mayo Clinic Laboratories, Mayo Clinic); PubMed 31980526 (cited by Mayo Clinic Laboratories, Mayo Clinic).

NM_015909.4(NBAS):c.2827G>T (p.Glu943Ter)

Gene: NBAS (NBAS subunit of NRZ tethering complex; minus strand). Cytogenetic location: 2p24.3.
Variant type: single nucleotide variant.
Coding change: c.2827G>T on transcript NM_015909.4 (MANE Select); coding-DNA position 2827, G replaced by T.
Protein change: p.Glu943Ter; replaces glutamic acid 943 with a stop codon.
Molecular consequence: nonsense. On other transcripts: non-coding transcript variant (1).
Genome position (GRCh38, 1-based): chr2:15,415,656, C>A on the plus strand (G>T on the coding strand, the complement: NBAS is on the minus strand). VCF-style: chr2-15415656-C-A. GRCh37 (hg19) VCF-style: chr2-15555780-C-A.
Other names: p.Glu943*; c.2827G>T (NM_015909.3); short protein forms E943*.
Identifiers: ClinVar variation 1076261 (VCV001076261.14), dbSNP rs143012720, ClinGen allele CA1536242.